The following is an entry in ClinVar:

NM_015338.6(ASXL1):c.1343T>C (p.Leu448Pro)

Gene: ASXL1 (ASXL transcriptional regulator 1; plus strand). Cytogenetic location: 20q11.21.
Variant type: single nucleotide variant.
Coding change: c.1343T>C on transcript NM_015338.6 (MANE Select); coding-DNA position 1343, T replaced by C.
Protein change: p.Leu448Pro; replaces leucine 448 with proline.
Molecular consequence: missense variant.
Genome position (GRCh38, 1-based): chr20:32,433,541, T>C. VCF-style: chr20-32433541-T-C. GRCh37 (hg19) VCF-style: chr20-31021344-T-C.
Other names: c.1160T>C, p.Leu387Pro (NM_001363734.1); short protein forms L448P, L387P.
Identifiers: ClinVar variation 4864777 (VCV004864777.1), dbSNP rs886056599.

ClinVar aggregate classification (germline): Uncertain significance (1 of 4 stars; one submission).

Conditions:
Inborn genetic diseases. Identifiers: MedGen C0950123, MeSH D030342.

Allele frequency attached by ClinVar (database versions not stated): TOPMed 0.00001.
gnomAD v4.1: 1 of 1,614,160 alleles (0.000062%); highest among the groups gnomAD compares: Non-Finnish European, 0.000085%; no homozygotes.

Submission:

Ambry Genetics
Classification: Uncertain significance for Inborn genetic diseases. Last evaluated: 2026-05-23. Review status: criteria provided, single submitter. Criteria: Ambry Variant Classification Scheme 2023. Collection method: clinical testing. Allele origin: germline.
Comment: The p.L448P variant (also known as c.1343T>C), located in coding exon 12 of the ASXL1 gene, results from a T to C substitution at nucleotide position 1343. The leucine at codon 448 is replaced by proline, an amino acid with similar properties. This amino acid position is conserved. In addition, this alteration is predicted to be tolerated by in silico analysis. Based on the available evidence, the clinical significance of this variant remains unclear.